The following is an entry in ClinVar:

NM_153046.3(TDRD9):c.332C>T (p.Pro111Leu)

Gene: TDRD9 (tudor domain containing 9; plus strand). Cytogenetic location: 14q32.33.
Variant type: single nucleotide variant.
Coding change: c.332C>T on transcript NM_153046.3 (MANE Select); coding-DNA position 332, C replaced by T.
Protein change: p.Pro111Leu; replaces proline 111 with leucine.
Molecular consequence: missense variant.
Genome position (GRCh38, 1-based): chr14:103,963,088, C>T. VCF-style: chr14-103963088-C-T. GRCh37 (hg19) VCF-style: chr14-104429425-C-T.
Other names: short protein forms P111L.
Identifiers: ClinVar variation 718196 (VCV000718196.6), dbSNP rs77260485, ClinGen allele CA7368226.
Genomic context (GRCh38, chr14:103,963,088, plus strand): 5'-TTTTTCCAGATAAGAAATGGCATTGTATTTGTTTGTTTTGCCTTAATCCAGGTCCAAGGC[C>T]ATCTTTGGCTAAATTAAGCAGTGTGACATGCATCCCAGGGACAACTTATAAATATCCTGA-3'
Protein context (NP_694591.2, residues 101-121): VQPTSGPGPR[Pro111Leu]SLAKLSSVTC

ClinVar aggregate classification (germline): Conflicting classifications of pathogenicity. Review status: criteria provided, conflicting classifications (1 of 4 stars). 3 submissions from 3 submitters: Uncertain significance (1); Benign (1). 1 of the submissions does not count toward it. Last evaluated 2025-08-05.

Conditions:
TDRD9-related disorder. Also called: TDRD9-related condition.

Allele frequency attached by ClinVar (database versions not stated): gnomAD exomes 0.00022 and 0.00054; ExAC 0.00103; gnomAD 0.00239 and 0.00254; TOPMed 0.00271; ESP Exome Variant Server 0.00285; 1000 Genomes Project 0.00359; 1000 Genomes Project 30x 0.00422.
gnomAD v4.1: 672 of 1,543,076 alleles (0.044%); highest among the groups gnomAD compares: African/African-American, 0.86%; 4 homozygotes.

Submissions (3):

Ambry Genetics
Classification: Uncertain significance. Last evaluated: 2025-08-05. Review status: criteria provided, single submitter. Criteria: Ambry Variant Classification Scheme 2023. Collection method: clinical testing. Allele origin: germline.

Labcorp Genetics (formerly Invitae), Labcorp
Classification: Benign. Last evaluated: 2018-07-23. Review status: criteria provided, single submitter. Criteria: Invitae Variant Classification Sherloc (09022015). Collection method: clinical testing. Allele origin: germline.

PreventionGenetics, part of Exact Sciences
Classification: Benign for TDRD9-related condition. Last evaluated: 2019-08-01. Review status: no assertion criteria provided. Collection method: clinical testing. Allele origin: germline. Not counted in ClinVar's aggregate classification.
Comment: This variant is classified as benign based on ACMG/AMP sequence variant interpretation guidelines (Richards et al. 2015 PMID: 25741868, with internal and published modifications).